The following is an entry in ClinVar:

NM_018133.4(MSL2):c.1102del (p.Ala368fs)

Gene: MSL2 (MSL complex subunit 2; minus strand). Cytogenetic location: 3q22.3.
Variant type: Deletion.
Coding change: c.1102del on transcript NM_018133.4 (MANE Select); coding-DNA position 1102, one base deleted (G; older notation c.1102delG).
Protein change: p.Ala368fs; shifts the reading frame from alanine 368.
Molecular consequence: frameshift variant.
Genome position (GRCh38, 1-based): chr3:136,151,779, C deleted on the plus strand (G on the coding strand, the reverse complement: MSL2 is on the minus strand); the first of 5 consecutive C bases (chr3:136,151,779-136,151,783); deleting any one gives the same sequence. VCF-style (leftmost placement, unchanged base first): chr3-136151778-GC-G. GRCh37 (hg19) VCF-style: chr3-135870620-GC-G.
Other names: c.880del, p.Ala294fs (NM_001145417.2); c.1102delG (NM_018133.4, NM_018133.3); short protein forms A294fs, A368fs.
Identifiers: ClinVar variation 2499549 (VCV002499549.3), dbSNP rs2529545743, ClinGen allele CA2580068799.
Genomic context (GRCh38, chr3:136,151,778, plus strand): 5'-ACAGTTGCTATAGGTTGAAGAGAAATTTTGCTCTCCCGTTTCACTGTCACAGGAGCAGAT[GC>G]CCCCAGTGTTGGGCCTCGGATAATGGTAGAAATTGGAAGTGGCTGAACTTTCTCACTGTC-3'

ClinVar aggregate classification (germline): Conflicting classifications of pathogenicity. Review status: criteria provided, conflicting classifications (1 of 4 stars). 2 submissions from 2 submitters: Pathogenic (1); Uncertain significance (1). Last evaluated 2025-12-20.

Conditions:
Autism (AUTS). Also called: Autistic disorder; Autistic disorder of childhood onset. Identifiers: MedGen C0004352, MeSH D001321, MONDO:0005260, OMIM 209850, HP:0000717.

Submissions (2):

Ambry Genetics
Classification: Pathogenic. Last evaluated: 2025-12-20. Review status: criteria provided, single submitter. Criteria: Ambry Variant Classification Scheme 2023. Collection method: clinical testing. Allele origin: germline.
Comment: The c.1102delG (p.A368Hfs*5) alteration, located in coding exon 2 of the MSL2 gene, consists of a deletion of one nucleotide at position 1102, causing a translational frameshift with a predicted alternate stop codon after 5 amino acids. This variant is not expected to trigger nonsense-mediated mRNA decay; however, it impacts the last 36% of the protein. Premature stop codons are typically deleterious in nature, the impacted region is critical for protein function, and a significant portion of the protein is affected (Ambry internal data). This variant was not reported in population-based cohorts in the Genome Aggregation Database (gnomAD). Based on the available evidence, this alteration is classified as pathogenic.

Duke University Health System Sequencing Clinic, Duke University Health System
Classification: Uncertain significance for Autism. Last evaluated: 2023-04-20. Review status: criteria provided, single submitter. Criteria: ACMG Guidelines, 2015. Collection method: research. Allele origin: de novo. Affected: yes.